The following is an entry in ClinVar:

NM_001330260.2(SCN8A):c.1954A>G (p.Ile652Val)

Gene: SCN8A (sodium voltage-gated channel alpha subunit 8; plus strand). Cytogenetic location: 12q13.13.
Variant type: single nucleotide variant.
Coding change: c.1954A>G on transcript NM_001330260.2 (MANE Select); coding-DNA position 1954, A replaced by G.
Protein change: p.Ile652Val; replaces isoleucine 652 with valine.
Molecular consequence: missense variant.
Genome position (GRCh38, 1-based): chr12:51,721,864, A>G. VCF-style: chr12-51721864-A-G. GRCh37 (hg19) VCF-style: chr12-52115648-A-G.
Other names: c.1954A>G, p.Ile652Val (NM_001177984.3, NM_001369788.1, NM_014191.4); short protein forms I652V.
Identifiers: ClinVar variation 573796 (VCV000573796.9), dbSNP rs1048609401, ClinGen allele CA385229933.

ClinVar aggregate classification (germline): Uncertain significance (1 of 4 stars; one submission).

Conditions:
Early-infantile DEE. Also called: Early infantile epileptic encephalopathy with suppression bursts; Early infantile epileptic encephalopathy; Ohtahara syndrome. Identifiers: Orphanet 1934, MedGen C0393706, MONDO:0800491.

Allele frequency attached by ClinVar (database versions not stated): gnomAD exomes below 0.00001; TOPMed 0.00002; gnomAD 0.00010.
gnomAD v4.1: 31 of 1,602,574 alleles (0.0019%); highest among the groups gnomAD compares: African/African-American, 0.0027%; no homozygotes.

Submission:

Labcorp Genetics (formerly Invitae), Labcorp
Classification: Uncertain significance for Early-infantile DEE. Last evaluated: 2024-12-17. Review status: criteria provided, single submitter. Criteria: Invitae Variant Classification Sherloc (09022015). Collection method: clinical testing. Allele origin: germline.
Comment: This sequence change replaces isoleucine, which is neutral and non-polar, with valine, which is neutral and non-polar, at codon 652 of the SCN8A protein (p.Ile652Val). The frequency data for this variant in the population databases is considered unreliable, as metrics indicate poor data quality at this position in the gnomAD database. This variant has not been reported in the literature in individuals affected with SCN8A-related conditions. ClinVar contains an entry for this variant (Variation ID: 573796). Invitae Evidence Modeling of protein sequence and biophysical properties (such as structural, functional, and spatial information, amino acid conservation, physicochemical variation, residue mobility, and thermodynamic stability) indicates that this missense variant is not expected to disrupt SCN8A protein function with a negative predictive value of 95%. In summary, the available evidence is currently insufficient to determine the role of this variant in disease. Therefore, it has been classified as a Variant of Uncertain Significance.